The following is an entry in ClinVar:

ClinVar aggregate classification (germline): Likely benign (1 of 4 stars; one submission).

Allele frequency attached by ClinVar (database versions not stated): gnomAD 0.00011; TOPMed 0.00012.
gnomAD v4.1: 163 of 1,535,584 alleles (0.011%); highest among the groups gnomAD compares: Non-Finnish European, 0.013%; no homozygotes.

Submission:

CeGaT Center for Human Genetics Tuebingen
Classification: Likely benign. Last evaluated: 2024-05-01. Review status: criteria provided, single submitter. Criteria: CeGaT Center For Human Genetics Tuebingen Variant Classification Criteria Version 2. Collection method: clinical testing. Allele origin: germline. Affected: yes. Observed: 1 variant allele.
Comment: SEC61A1: BP4, BP7

NM_001400328.1(SEC61A1):c.21G>A (p.Val7=)

Gene: SEC61A1 (SEC61 translocon subunit alpha 1; plus strand). Cytogenetic location: 3q21.3.
Variant type: single nucleotide variant.
Coding change: c.21G>A on transcript NM_001400328.1; coding-DNA position 21, G replaced by A.
Protein change: p.Val7=; no amino-acid change (valine 7 retained).
Molecular consequence: synonymous variant.
Genome position (GRCh38, 1-based): chr3:128,051,906, G>A. VCF-style: chr3-128051906-G-A. GRCh37 (hg19) VCF-style: chr3-127770749-G-A.
Identifiers: ClinVar variation 3239042 (VCV003239042.18), dbSNP rs774375246.